The following is an entry in ClinVar:

NM_177438.3(DICER1):c.439-1G>A

Gene: DICER1 (dicer 1, ribonuclease III; minus strand). Cytogenetic location: 14q32.13.
Variant type: single nucleotide variant.
Coding change: c.439-1G>A on transcript NM_177438.3 (MANE Select); the canonical splice acceptor site of the intron before coding-DNA position 439, G replaced by A.
Molecular consequence: splice acceptor variant. On other transcripts: intron variant (1).
Genome position (GRCh38, 1-based): chr14:95,130,193, C>T on the plus strand (G>A on the coding strand, the complement: DICER1 is on the minus strand). VCF-style: chr14-95130193-C-T. GRCh37 (hg19) VCF-style: chr14-95596530-C-T.
Other names: c.439-1G>A (NM_001291628.2, NM_030621.4, NM_001395677.1 and 14 more transcripts); c.34-1G>A (NM_001395690.1, NM_001395687.1, NM_001395689.1 and 3 more transcripts); c.157-1G>A (NM_001395686.1); c.-20-110G>A (NM_001395691.1); c.-1130-1G>A (NM_001395697.1).
Identifiers: ClinVar variation 863666 (VCV000863666.10), dbSNP rs1893837432, ClinGen allele CA390888620.

ClinVar aggregate classification (germline): Likely pathogenic (1 of 4 stars; one submission).

Conditions:
DICER1-related tumor predisposition. Also called: DICER1-related pleuropulmonary blastoma cancer predisposition syndrome; DICER1 syndrome. Identifiers: Orphanet 284343, MedGen C3839822, MONDO:0100216.

Submissions (2):

Labcorp Genetics (formerly Invitae), Labcorp
Classification: Likely pathogenic for DICER1-related tumor predisposition. Last evaluated: 2019-04-09. Review status: criteria provided, single submitter. Criteria: Invitae Variant Classification Sherloc (09022015). Collection method: clinical testing. Allele origin: germline.
Comment: This sequence change affects an acceptor splice site in intron 4 of the DICER1 gene. It is expected to disrupt RNA splicing and likely results in an absent or disrupted protein product. This variant is not present in population databases (ExAC no frequency). This variant has not been reported in the literature in individuals with DICER1-related conditions. Algorithms developed to predict the effect of sequence changes on RNA splicing suggest that this variant may disrupt the consensus splice site, but this prediction has not been confirmed by published transcriptional studies. Donor and acceptor splice site variants typically lead to a loss of protein function (PMID: 16199547), and loss-of-function variants in DICER1 are known to be pathogenic (PMID: 19556464, 21266384). In summary, the currently available evidence indicates that the variant is pathogenic, but additional data are needed to prove that conclusively. Therefore, this variant has been classified as Likely Pathogenic.

Dr. Peter K. Rogan Lab, Western University
No classification provided (evidence only). Condition: Squamous cell carcinoma of the head and neck. Review status: no classification provided. Collection method: in vitro. Allele origin: not applicable. Functional consequence: skipped exon. Not counted in ClinVar's aggregate classification.

Literature cited by the submitters: PubMed 16199547 (cited by Labcorp Genetics (formerly Invitae), Labcorp); PubMed 19556464 (cited by Labcorp Genetics (formerly Invitae), Labcorp); PubMed 21266384 (cited by Labcorp Genetics (formerly Invitae), Labcorp).